The following is an entry in ClinVar:

NM_000316.3(PTH1R):c.817A>G (p.Thr273Ala)

Gene: PTH1R (parathyroid hormone 1 receptor; plus strand). Cytogenetic location: 3p21.31.
Variant type: single nucleotide variant.
Coding change: c.817A>G on transcript NM_000316.3 (MANE Select); coding-DNA position 817, A replaced by G.
Protein change: p.Thr273Ala; replaces threonine 273 with alanine.
Molecular consequence: missense variant.
Genome position (GRCh38, 1-based): chr3:46,898,840, A>G. VCF-style: chr3-46898840-A-G. GRCh37 (hg19) VCF-style: chr3-46940330-A-G.
Other names: c.817A>G, p.Thr273Ala (NM_001184744.1); short protein forms T273A.
Identifiers: ClinVar variation 1967950 (VCV001967950.6), dbSNP rs1220180474, ClinGen allele CA352497535.

ClinVar aggregate classification (germline): Uncertain significance. Review status: criteria provided, multiple submitters, no conflicts (2 of 4 stars). 2 submissions from 2 submitters: Uncertain significance (2). Last evaluated 2024-03-27.

Conditions:
Primary failure of tooth eruption. Also called: DENTAL NONERUPTION; PRIMARY RETENTION OF TEETH; UNERUPTED SECOND PRIMARY MOLAR; POSTERIOR OPENBITE MALOCCLUSION, FAMILIAL. Identifiers: Orphanet 412206, MedGen C1852222, MONDO:0007434, OMIM 125350.
Chondrodysplasia Blomstrand type (BOCD). Identifiers: Orphanet 50945, MedGen C1859148, MONDO:0008970, OMIM 215045.
Eiken syndrome (EKNS). Also called: BONE MODELING DEFECT OF HANDS AND FEET. Identifiers: Orphanet 79106, MedGen C1838779, MONDO:0010803, OMIM 600002.
Metaphyseal chondrodysplasia, Jansen type. Also called: PTH1R-Related Jansen Metaphyseal Chondrodysplasia; Metaphyseal chondrodysplasia Murk Jansen type. Identifiers: Orphanet 33067, MedGen C0265295, MONDO:0007982, OMIM 156400.

Allele frequency attached by ClinVar (database versions not stated): gnomAD 0.00001.
gnomAD v4.1: 1 of 1,548,102 alleles (0.000065%); highest among the groups gnomAD compares: Non-Finnish European, 0.000087%; no homozygotes.

Submissions (2):

Fulgent Genetics
Classification: Uncertain significance for Primary failure of tooth eruption; Metaphyseal chondrodysplasia, Jansen type; Chondrodysplasia Blomstrand type; Eiken syndrome. Last evaluated: 2024-03-27. Review status: criteria provided, single submitter. Criteria: ACMG Guidelines, 2015. Collection method: clinical testing. Allele origin: germline.

Labcorp Genetics (formerly Invitae), Labcorp
Classification: Uncertain significance. Last evaluated: 2022-09-12. Review status: criteria provided, single submitter. Criteria: Invitae Variant Classification Sherloc (09022015). Collection method: clinical testing. Allele origin: germline.
Comment: In summary, the available evidence is currently insufficient to determine the role of this variant in disease. Therefore, it has been classified as a Variant of Uncertain Significance. Advanced modeling of protein sequence and biophysical properties (such as structural, functional, and spatial information, amino acid conservation, physicochemical variation, residue mobility, and thermodynamic stability) performed at Invitae indicates that this missense variant is not expected to disrupt PTH1R protein function. This variant has not been reported in the literature in individuals affected with PTH1R-related conditions. The frequency data for this variant in the population databases is considered unreliable, as metrics indicate poor data quality at this position in the gnomAD database. This sequence change replaces threonine, which is neutral and polar, with alanine, which is neutral and non-polar, at codon 273 of the PTH1R protein (p.Thr273Ala).